The following is an entry in ClinVar:

ClinVar aggregate classification (germline): Pathogenic (0 of 4 stars; one submission).

Conditions:
Polydactyly, postaxial, type A1. Identifiers: MedGen C4282400, MONDO:0008266, OMIM 174200.

Submission:

Baylor Genetics
Classification: Pathogenic for Polydactyly, postaxial, type A1. Last evaluated: 2015-05-14. Review status: no assertion criteria provided. Collection method: clinical testing. Allele origin: paternal. Inheritance: Autosomal dominant inheritance. Affected: yes. Observed: 1 variant allele, 1 heterozygote.
Comment: This variant has not been reported previously; however, another frameshift pathogenic variant c.2292delA (p.Ala765fs) has been reported in multiple affected family members of a family with polydactyly, postaxial, types A (PMID 9354785). These two frameshifts are predicted to cause a premature stop of protein coding at the same position (amino acid position 779).

Literature cited by the submitters: PubMed 9354785.

NM_000168.6(GLI3):c.2252del (p.Asp751fs)

Gene: GLI3 (GLI family zinc finger 3; minus strand). Cytogenetic location: 7p14.1.
Variant type: Deletion.
Coding change: c.2252del on transcript NM_000168.6 (MANE Select); coding-DNA position 2252, one base deleted (A; older notation c.2252delA).
Protein change: p.Asp751fs; shifts the reading frame from aspartic acid 751.
Molecular consequence: frameshift variant.
Genome position (GRCh38, 1-based): chr7:41,967,775, T deleted on the plus strand (A on the coding strand, the reverse complement: GLI3 is on the minus strand). VCF-style (leftmost placement, unchanged base first): chr7-41967774-GT-G. GRCh37 (hg19) VCF-style: chr7-42007372-GT-G.
Other names: short protein forms D751fs.
Identifiers: ClinVar variation 374325 (VCV000374325.2), dbSNP rs1057518698, ClinGen allele CA16043665.
Genomic context (GRCh38, chr7:41,967,774, plus strand): 5'-CCCTGCCGGGTTTCTCCTGGCTTGCAAAGCAAGGGCTGTGGTTGCAGTGGAAATGGTTGA[GT>G]CCATGATTGGGGTTTCATCGATGGCACTGAGGTCTCCTATACTACCTCCATCGGTCAGAG-3'